The following is an entry in ClinVar:

ClinVar aggregate classification (germline): Uncertain significance (1 of 4 stars; one submission).

gnomAD v4.1: 4 of 1,614,148 alleles (0.00025%); highest among the groups gnomAD compares: Non-Finnish European, 0.00025%; no homozygotes.

Submission:

Women's Health and Genetics/Laboratory Corporation of America, LabCorp
Classification: Uncertain significance. Last evaluated: 2026-05-08. Review status: criteria provided, single submitter. Criteria: LabCorp Variant Classification Summary - May 2015. Collection method: clinical testing. Allele origin: germline.
Comment: Variant summary: MYH11 c.2079G>A (p.Arg693Arg) alters a nucleotide located close to a canonical splice site and therefore could affect mRNA splicing, leading to a significantly altered protein sequence. Several computational tools predict a significant impact on normal splicing: Two predict the variant abolishes a 5' splicing donor site. Two predict the variant weakens a 5' donor site. However, these predictions have yet to be confirmed by functional studies. The variant was absent in 250598 control chromosomes. The available data on variant occurrences in the general population are insufficient to allow any conclusion about variant significance. To our knowledge, no occurrence of c.2079G>A in individuals affected with MYH11-related conditions and no experimental evidence demonstrating its impact on protein function have been reported. No submitters have cited clinical-significance assessments for this variant to ClinVar. Based on the evidence outlined above, the variant was classified as uncertain significance.

NM_002474.3(MYH11):c.2058G>A (p.Arg686=)

Gene: MYH11 (myosin heavy chain 11; minus strand). Cytogenetic location: 16p13.11.
Variant type: single nucleotide variant.
Coding change: c.2058G>A on transcript NM_002474.3 (MANE Select); coding-DNA position 2058, G replaced by A.
Protein change: p.Arg686=; no amino-acid change (arginine 686 retained).
Molecular consequence: synonymous variant.
Genome position (GRCh38, 1-based): chr16:15,750,138, C>T on the plus strand (G>A on the coding strand, the complement: MYH11 is on the minus strand). VCF-style: chr16-15750138-C-T. GRCh37 (hg19) VCF-style: chr16-15843995-C-T.
Other names: c.2079G>A, p.Arg693= (NM_001040113.2, NM_001040114.2); c.2058G>A, p.Arg686= (NM_022844.3).
Identifiers: ClinVar variation 4853454 (VCV004853454.1).